The following is an entry in ClinVar:

ClinVar aggregate classification (germline): Uncertain significance (1 of 4 stars; one submission).

Allele frequency attached by ClinVar (database versions not stated): gnomAD 0.00003; gnomAD exomes 0.00003; TOPMed 0.00003; ExAC 0.00001.
gnomAD v4.1: 52 of 1,609,248 alleles (0.0032%); highest among the groups gnomAD compares: Non-Finnish European, 0.004%; no homozygotes.

Submission:

Labcorp Genetics (formerly Invitae), Labcorp
Classification: Uncertain significance. Last evaluated: 2022-08-26. Review status: criteria provided, single submitter. Criteria: Invitae Variant Classification Sherloc (09022015). Collection method: clinical testing. Allele origin: germline.
Comment: In summary, the available evidence is currently insufficient to determine the role of this variant in disease. Therefore, it has been classified as a Variant of Uncertain Significance. Variants that disrupt the consensus splice site are a relatively common cause of aberrant splicing (PMID: 17576681, 9536098). Algorithms developed to predict the effect of sequence changes on RNA splicing suggest that this variant is not likely to affect RNA splicing. This variant has not been reported in the literature in individuals affected with CHD4-related conditions. This variant is present in population databases (rs758469357, gnomAD 0.004%). This sequence change falls in intron 22 of the CHD4 gene. It does not directly change the encoded amino acid sequence of the CHD4 protein. It affects a nucleotide within the consensus splice site.

Literature cited by the submitters: PubMed 17576681; PubMed 9536098.

NM_001273.5(CHD4):c.3340+6A>G

Gene: CHD4 (chromodomain helicase DNA binding protein 4; minus strand). Cytogenetic location: 12p13.31.
Variant type: single nucleotide variant.
Coding change: c.3340+6A>G on transcript NM_001273.5 (MANE Select); 6 bases into the intron after coding-DNA position 3340, A replaced by G.
Molecular consequence: intron variant.
Genome position (GRCh38, 1-based): chr12:6,591,460, T>C on the plus strand (A>G on the coding strand, the complement: CHD4 is on the minus strand). VCF-style: chr12-6591460-T-C. GRCh37 (hg19) VCF-style: chr12-6700626-T-C.
Other names: c.3301+6A>G (NM_001363606.2); c.3319+6A>G (NM_001297553.2).
Identifiers: ClinVar variation 2421201 (VCV002421201.6), dbSNP rs758469357, ClinGen allele CA6411794.